The following is an entry in ClinVar:

ClinVar aggregate classification (germline): Uncertain significance. Review status: criteria provided, multiple submitters, no conflicts (2 of 4 stars). 2 submissions from 2 submitters: Uncertain significance (2). Last evaluated 2024-01-04.

Conditions:
Cardiovascular phenotype. Identifiers: MedGen CN230736.

Allele frequency attached by ClinVar (database versions not stated): gnomAD exomes below 0.00001; ExAC 0.00002.
gnomAD v4.1: 2 of 1,613,958 alleles (0.00012%); highest among the groups gnomAD compares: Admixed American, 0.0033%; no homozygotes.

Submissions (2):

Ambry Genetics
Classification: Uncertain significance for Cardiovascular phenotype. Last evaluated: 2024-01-04. Review status: criteria provided, single submitter. Criteria: Ambry Variant Classification Scheme 2023. Collection method: clinical testing. Allele origin: germline.

Labcorp Genetics (formerly Invitae), Labcorp
Classification: Uncertain significance. Last evaluated: 2023-05-11. Review status: criteria provided, single submitter. Criteria: Invitae Variant Classification Sherloc (09022015). Collection method: clinical testing. Allele origin: germline.
Comment: This sequence change replaces threonine, which is neutral and polar, with serine, which is neutral and polar, at codon 1720 of the ALPK3 protein (p.Thr1720Ser). In summary, the available evidence is currently insufficient to determine the role of this variant in disease. Therefore, it has been classified as a Variant of Uncertain Significance. An algorithm developed to predict the effect of missense changes on protein structure and function (PolyPhen-2) suggests that this variant is likely to be disruptive. This variant has not been reported in the literature in individuals affected with ALPK3-related conditions. This variant is present in population databases (rs757030622, gnomAD 0.006%).

NM_020778.5(ALPK3):c.4552A>T (p.Thr1518Ser)

Gene: ALPK3 (alpha kinase 3; plus strand). Cytogenetic location: 15q25.3.
Variant type: single nucleotide variant.
Coding change: c.4552A>T on transcript NM_020778.5 (MANE Select); coding-DNA position 4552, A replaced by T.
Protein change: p.Thr1518Ser; replaces threonine 1518 with serine.
Molecular consequence: missense variant.
Genome position (GRCh38, 1-based): chr15:84,864,494, A>T. VCF-style: chr15-84864494-A-T. GRCh37 (hg19) VCF-style: chr15-85407725-A-T.
Other names: c.5158A>T (NM_020778.4); short protein forms T1518S.
Identifiers: ClinVar variation 2720367 (VCV002720367.4), dbSNP rs757030622, ClinGen allele CA7710021.
Genomic context (GRCh38, chr15:84,864,494, plus strand): 5'-ATGTTTAGGATCATCCCACTGTATCTGATCTACCGGCCTGCAAACAATATCCCATATGCT[A>T]CCCTGGAGGAAGACCTGGGCAAGCCCCTGGAGTCTTACTGTTCTCGGGAATGGGGCTGTG-3'
Protein context (NP_065829.4, residues 1508-1528): YRPANNIPYA[Thr1518Ser]LEEDLGKPLE